The following is an entry in ClinVar:

ClinVar aggregate classification (germline): Uncertain significance (1 of 4 stars; one submission).

Conditions:
Cardiomyopathy (CMYO). Also called: Cardiomyopathies. Identifiers: Orphanet 167848, MedGen C0878544, MONDO:0004994, HP:0001638. Inheritance: Various modes of inheritance.

Submission:

Color Diagnostics, LLC DBA Color Health
Classification: Uncertain significance for Cardiomyopathy. Last evaluated: 2024-03-06. Review status: criteria provided, single submitter. Criteria: ACMG Guidelines, 2015. Collection method: clinical testing. Allele origin: germline.
Comment: This missense variant replaces isoleucine with phenylalanine at codon 751 of the MYH7 protein. Computational prediction tool suggests that this variant may have deleterious impact on protein structure and function (internally defined REVEL score threshold >=0.7, PMID: 27666373). Splice site prediction tools suggest that this variant may not impact RNA splicing. To our knowledge, functional studies have not been performed for this variant. This variant has not been reported in individuals affected with cardiovascular disorders in the literature. This variant has not been identified in the general population by the Genome Aggregation Database (gnomAD). The available evidence is insufficient to determine the role of this variant in disease conclusively. Therefore, this variant is classified as a Variant of Uncertain Significance.

NM_000257.4(MYH7):c.2251A>T (p.Ile751Phe)

Gene: MYH7 (myosin heavy chain 7; minus strand). Cytogenetic location: 14q11.2.
Variant type: single nucleotide variant.
Coding change: c.2251A>T on transcript NM_000257.4 (MANE Select); coding-DNA position 2251, A replaced by T.
Protein change: p.Ile751Phe; replaces isoleucine 751 with phenylalanine.
Molecular consequence: missense variant.
Genome position (GRCh38, 1-based): chr14:23,425,730, T>A on the plus strand (A>T on the coding strand, the complement: MYH7 is on the minus strand). VCF-style: chr14-23425730-T-A. GRCh37 (hg19) VCF-style: chr14-23894939-T-A.
Other names: short protein forms I751F.
Identifiers: ClinVar variation 922882 (VCV000922882.4), dbSNP rs1892668023, ClinGen allele CA389048822.